The following is an entry in ClinVar:

NM_006230.4(POLD2):c.1341C>T (p.Cys447=)

Gene: POLD2 (DNA polymerase delta 2, accessory subunit; minus strand). Cytogenetic location: 7p13.
Variant type: single nucleotide variant.
Coding change: c.1341C>T on transcript NM_006230.4 (MANE Select); coding-DNA position 1341, C replaced by T.
Protein change: p.Cys447=; no amino-acid change (cysteine 447 retained).
Molecular consequence: synonymous variant.
Genome position (GRCh38, 1-based): chr7:44,114,854, G>A on the plus strand (C>T on the coding strand, the complement: POLD2 is on the minus strand). VCF-style: chr7-44114854-G-A. GRCh37 (hg19) VCF-style: chr7-44154453-G-A.
Other names: c.1341C>T, p.Cys447= (NM_001127218.3, NM_001256879.2).
Identifiers: ClinVar variation 2046793 (VCV002046793.29), dbSNP rs142305815, ClinGen allele CA4238545.

ClinVar aggregate classification (germline): Benign/Likely benign. Review status: criteria provided, multiple submitters, no conflicts (2 of 4 stars). 3 submissions from 3 submitters: Benign (2); Likely benign (1). Last evaluated 2026-04-02.

Allele frequency attached by ClinVar (database versions not stated): 1000 Genomes Project 30x 0.00109; 1000 Genomes Project 0.00120; ExAC 0.00241; gnomAD 0.00271; TOPMed 0.00284; ESP Exome Variant Server 0.00292; gnomAD exomes 0.00379.
gnomAD v4.1: 5,904 of 1,613,882 alleles (0.37%); highest among the groups gnomAD compares: Non-Finnish European, 0.44%; 21 homozygotes.

Submissions (3):

Women's Health and Genetics/Laboratory Corporation of America, LabCorp
Classification: Benign. Last evaluated: 2026-04-02. Review status: criteria provided, single submitter. Criteria: LabCorp Variant Classification Summary - May 2015. Collection method: clinical testing. Allele origin: germline.

Labcorp Genetics (formerly Invitae), Labcorp
Classification: Benign. Last evaluated: 2026-02-01. Review status: criteria provided, single submitter. Criteria: Invitae Variant Classification Sherloc (09022015). Collection method: clinical testing. Allele origin: germline.

CeGaT Center for Human Genetics Tuebingen
Classification: Likely benign. Last evaluated: 2022-08-01. Review status: criteria provided, single submitter. Criteria: CeGaT Center For Human Genetics Tuebingen Variant Classification Criteria Version 2. Collection method: clinical testing. Allele origin: germline. Affected: yes. Observed: 2 variant alleles.
Comment: POLD2: BP4, BP7